The following is an entry in ClinVar:

ClinVar aggregate classification (germline): Likely pathogenic (1 of 4 stars; one submission).

Conditions:
Neuromuscular disease caused by qualitative or quantitative defects of dysferlin. Also called: Qualitative or quantitative defects of dysferlin; Dysferlinopathy. Identifiers: Orphanet 207073, MedGen C2931687, MONDO:0016145.

Submission:

Labcorp Genetics (formerly Invitae), Labcorp
Classification: Likely pathogenic for Neuromuscular disease caused by qualitative or quantitative defects of dysferlin. Last evaluated: 2021-08-04. Review status: criteria provided, single submitter. Criteria: Invitae Variant Classification Sherloc (09022015). Collection method: clinical testing. Allele origin: germline.
Comment: This variant is a gross deletion of the genomic region encompassing exon(s) 55 of the DYSF gene. The 5' boundary is likely confined to intron 54. The 3' end of this event is unknown as it extends through the termination codon beyond the assayed region for this gene and may encompass additional genes. While this deletion is not anticipated to lead to nonsense mediated decay, it is expected to alter mRNA translation or result in a truncated protein product. A similar copy number variant has been observed in individual(s) with limb-girdle muscular dystrophy (PMID: 19594366). Experimental studies and prediction algorithms are not available or were not evaluated, and the functional significance of this variant is currently unknown. This variant disrupts a region of the DYSF protein in which other variant(s) (p.Met2073Val) have been observed in individuals with DYSF-related conditions (PMID: 17129727). This suggests that this is a clinically significant region of the protein, and that variants that disrupt it are likely to be disease-causing. In summary, the currently available evidence indicates that the variant is pathogenic, but additional data are needed to prove that conclusively. Therefore, this variant has been classified as Likely Pathogenic.

Literature cited by the submitters: PubMed 19594366; PubMed 17129727.

NC_000002.11:g.(?_71913574)_(71913729_?)del

Gene: DYSF (dysferlin; plus strand). Cytogenetic location: 2p13.2.
Variant type: Deletion.
Identifiers: ClinVar variation 1067760 (VCV001067760.2).